The following is an entry in ClinVar:

NM_005751.5(AKAP9):c.5840G>A (p.Arg1947His)

Gene: AKAP9 (A-kinase anchoring protein 9; plus strand). Cytogenetic location: 7q21.2.
Variant type: single nucleotide variant.
Coding change: c.5840G>A on transcript NM_005751.5 (MANE Select); coding-DNA position 5840, G replaced by A.
Protein change: p.Arg1947His; replaces arginine 1947 with histidine.
Molecular consequence: missense variant.
Genome position (GRCh38, 1-based): chr7:92,062,349, G>A. VCF-style: chr7-92062349-G-A. GRCh37 (hg19) VCF-style: chr7-91691663-G-A.
Other names: c.485G>A, p.Arg162His (NM_001379277.1); c.5840G>A, p.Arg1947His (NM_147185.3); short protein forms R162H, R1947H.
Identifiers: ClinVar variation 1404808 (VCV001404808.8), dbSNP rs762609050, ClinGen allele CA4336934.

ClinVar aggregate classification (germline): Uncertain significance. Review status: criteria provided, multiple submitters, no conflicts (2 of 4 stars). 2 submissions from 2 submitters: Uncertain significance (2). Last evaluated 2023-03-07.

Conditions:
Long QT syndrome (LQTS). Identifiers: MedGen C0023976, MeSH D008133, MONDO:0002442. Disease mechanism: loss of function. Inheritance: Various modes of inheritance.
Cardiovascular phenotype. Identifiers: MedGen CN230736.

Allele frequency attached by ClinVar (database versions not stated): ExAC 0.00001; gnomAD 0.00001; TOPMed 0.00001.
gnomAD v4.1: 17 of 1,613,744 alleles (0.0011%); highest among the groups gnomAD compares: Middle Eastern, 0.016%; no homozygotes.

Submissions (2):

Labcorp Genetics (formerly Invitae), Labcorp
Classification: Uncertain significance for Long QT syndrome. Last evaluated: 2023-03-07. Review status: criteria provided, single submitter. Criteria: Invitae Variant Classification Sherloc (09022015). Collection method: clinical testing. Allele origin: germline.
Comment: In summary, the available evidence is currently insufficient to determine the role of this variant in disease. Therefore, it has been classified as a Variant of Uncertain Significance. Algorithms developed to predict the effect of missense changes on protein structure and function output the following: SIFT: "Not Available"; PolyPhen-2: "Benign"; Align-GVGD: "Not Available". The histidine amino acid residue is found in multiple mammalian species, which suggests that this missense change does not adversely affect protein function. ClinVar contains an entry for this variant (Variation ID: 1404808). This variant has not been reported in the literature in individuals affected with AKAP9-related conditions. This variant is present in population databases (rs762609050, gnomAD 0.007%). This sequence change replaces arginine, which is basic and polar, with histidine, which is basic and polar, at codon 1947 of the AKAP9 protein (p.Arg1947His).

Ambry Genetics
Classification: Uncertain significance for Cardiovascular phenotype. Last evaluated: 2022-04-21. Review status: criteria provided, single submitter. Criteria: Ambry Variant Classification Scheme 2023. Collection method: clinical testing. Allele origin: germline.
Comment: The p.R1947H variant (also known as c.5840G>A), located in coding exon 24 of the AKAP9 gene, results from a G to A substitution at nucleotide position 5840. The arginine at codon 1947 is replaced by histidine, an amino acid with highly similar properties. This amino acid position is conserved. In addition, this alteration is predicted to be tolerated by in silico analysis. Since supporting evidence is limited at this time, the clinical significance of this alteration remains unclear.